The following is an entry in ClinVar:

NM_181701.4(QSOX2):c.1699C>T (p.Leu567Phe)

Gene: QSOX2 (quiescin sulfhydryl oxidase 2; minus strand). Cytogenetic location: 9q34.3.
Variant type: single nucleotide variant.
Coding change: c.1699C>T on transcript NM_181701.4 (MANE Select); coding-DNA position 1699, C replaced by T.
Protein change: p.Leu567Phe; replaces leucine 567 with phenylalanine.
Molecular consequence: missense variant.
Genome position (GRCh38, 1-based): chr9:136,209,126, G>A on the plus strand (C>T on the coding strand, the complement: QSOX2 is on the minus strand). VCF-style: chr9-136209126-G-A. GRCh37 (hg19) VCF-style: chr9-139100972-G-A.
Other names: short protein forms L567F.
Identifiers: ClinVar variation 5040332 (VCV005040332.1).
Genomic context (GRCh38, chr9:136,209,126, plus strand): 5'-CCCTGGCCAGGGTTCCTCCTTCACTGGAATCCCCCTGGTCTGCGGAATACGTGTCTAAGA[G>A]GTTGTCGCGGCCATAGTGCTGCTTCAAGAATGTGAGCACGTGGCCTTCATCCCAGCTGGC-3'
Protein context (NP_859052.3, residues 557-577): FLKQHYGRDN[Leu567Phe]LDTYSADQGD

ClinVar aggregate classification (germline): Likely benign (1 of 4 stars; one submission).

gnomAD v4.1: 1 of 1,614,198 alleles (0.000062%); highest among the groups gnomAD compares: Non-Finnish European, 0.000085%; no homozygotes.

Submission:

CeGaT Center for Human Genetics Tuebingen
Classification: Likely benign. Last evaluated: 2026-08-01. Review status: criteria provided, single submitter. Criteria: CeGaT Center For Human Genetics Tuebingen Variant Classification Criteria Version 2. Collection method: clinical testing. Allele origin: germline. Affected: yes. Observed: 1 variant allele.
Comment: QSOX2: BP4